The following is an entry in ClinVar:

ClinVar aggregate classification (germline): Uncertain significance (1 of 4 stars; one submission).

Submission:

Labcorp Genetics (formerly Invitae), Labcorp
Classification: Uncertain significance. Last evaluated: 2023-04-28. Review status: criteria provided, single submitter. Criteria: Invitae Variant Classification Sherloc (09022015). Collection method: clinical testing. Allele origin: germline.
Comment: In summary, the available evidence is currently insufficient to determine the role of this variant in disease. Therefore, it has been classified as a Variant of Uncertain Significance. Experimental studies and prediction algorithms are not available or were not evaluated, and the functional significance of this variant is currently unknown. ClinVar contains an entry for this variant (Variation ID: 1524829). This variant has not been reported in the literature in individuals affected with GRIN2D-related conditions. The frequency data for this variant in the population databases is considered unreliable, as metrics indicate insufficient coverage at this position in the gnomAD database. This variant, c.114_143dup, results in the insertion of 10 amino acid(s) of the GRIN2D protein (p.Gly39_Ala48dup), but otherwise preserves the integrity of the reading frame.

NM_000836.4(GRIN2D):c.114_143dup (p.Gly39_Ala48dup)

Genes: GRIN2D (glutamate ionotropic receptor NMDA type subunit 2D; plus strand), LOC130064855 (ATAC-STARR-seq lymphoblastoid silent region 10879; plus strand). Cytogenetic location: 19q13.33.
Variant type: Duplication.
Coding change: c.114_143dup on transcript NM_000836.4 (MANE Select); coding-DNA positions 114 to 143, 30 bases duplicated (CGGTGGGCCCGGCGGCGGCCTCGGCGGGGC).
Protein change: p.Gly39_Ala48dup.
Molecular consequence: inframe insertion.
Genome position (GRCh38, 1-based): chr19:48,398,506-48,398,535, CGGTGGGCCCGGCGGCGGCCTCGGCGGGGC duplicated; duplicating any 30 consecutive bases within chr19:48,398,498-48,398,535 gives the same sequence; the c. name uses the placement nearest the transcript's 3' end. VCF-style (leftmost placement, unchanged base first): chr19-48398497-G-GGGCGGGGCCGGTGGGCCCGGCGGCGGCCTC. GRCh37 (hg19) VCF-style: chr19-48901754-G-GGGCGGGGCCGGTGGGCCCGGCGGCGGCCTC.
Identifiers: ClinVar variation 1524829 (VCV001524829.8), dbSNP rs918214321, ClinGen allele CA2573156589.